The following is an entry in ClinVar:

NM_020778.5(ALPK3):c.386_389del (p.Thr129fs)

Gene: ALPK3 (alpha kinase 3; plus strand). Cytogenetic location: 15q25.3.
Variant type: Deletion.
Coding change: c.386_389del on transcript NM_020778.5 (MANE Select); coding-DNA positions 386 to 389, 4 bases deleted (CTCA; older notation c.386_389delCTCA).
Protein change: p.Thr129fs; shifts the reading frame from threonine 129.
Molecular consequence: frameshift variant.
Genome position (GRCh38, 1-based): chr15:84,839,061-84,839,064, CTCA deleted; deleting any 4 consecutive bases within chr15:84,839,058-84,839,064 gives the same sequence; the c. name uses the placement nearest the transcript's 3' end. VCF-style (leftmost placement, unchanged base first): chr15-84839057-ATCAC-A. GRCh37 (hg19) VCF-style: chr15-85382288-ATCAC-A.
Other names: short protein forms T129fs.
Identifiers: ClinVar variation 817402 (VCV000817402.10), dbSNP rs1596149339, ClinGen allele CA915946093.
Genomic context (GRCh38, chr15:84,839,057, plus strand): 5'-GTGACCTGGTACAAGGATGATACGGAGCTGGACCGCTACTGTGGCTTGCCAAAATATGAG[ATCAC>A]TCATCAGGGCAACCGCCACACACTGCAGCTGTACAGGTGAGGGAGAAGGGCCTGTTTTGC-3'

ClinVar aggregate classification (germline): Pathogenic. Review status: criteria provided, multiple submitters, no conflicts (2 of 4 stars). 3 submissions from 3 submitters: Pathogenic (3). Last evaluated 2026-04-06.

Conditions:
Cardiovascular phenotype. Identifiers: MedGen CN230736.

Submissions (3):

Ambry Genetics
Classification: Pathogenic for Cardiovascular phenotype. Last evaluated: 2026-04-06. Review status: criteria provided, single submitter. Criteria: Ambry Variant Classification Scheme 2023. Collection method: clinical testing. Allele origin: germline.
Comment: The c.992_995delCTCA pathogenic mutation, located in coding exon 4 of the ALPK3 gene, results from a deletion of 4 nucleotides at nucleotide positions 992 to 995, causing a translational frameshift with a predicted alternate stop codon (p.T331Ifs*43). This variant is considered to be rare based on population cohorts in the Genome Aggregation Database (gnomAD). This alteration is expected to result in loss of function by premature protein truncation or nonsense-mediated mRNA decay. As such, this alteration is interpreted as a disease-causing mutation.

Labcorp Genetics (formerly Invitae), Labcorp
Classification: Pathogenic. Last evaluated: 2025-10-05. Review status: criteria provided, single submitter. Criteria: Invitae Variant Classification Sherloc (09022015). Collection method: clinical testing. Allele origin: germline.
Comment: This sequence change creates a premature translational stop signal (p.Thr331Ilefs*43) in the ALPK3 gene. It is expected to result in an absent or disrupted protein product. Loss-of-function variants in ALPK3 are known to be pathogenic (PMID: 21441111, 26846950, 27106955, 34263907). This variant is not present in population databases (gnomAD no frequency). This variant has not been reported in the literature in individuals affected with ALPK3-related conditions. ClinVar contains an entry for this variant (Variation ID: 817402). For these reasons, this variant has been classified as Pathogenic.

GeneDx
Classification: Pathogenic. Last evaluated: 2024-08-04. Review status: criteria provided, single submitter. Criteria: GeneDx Variant Classification Process June 2021. Collection method: clinical testing. Allele origin: germline. Affected: yes.
Comment: Frameshift variant predicted to result in protein truncation or nonsense mediated decay in a gene for which loss of function is a known mechanism of disease; Not observed at significant frequency in large population cohorts (gnomAD); Has not been previously published as pathogenic or benign to our knowledge

Literature cited by the submitters: PubMed 21441111 (cited by Labcorp Genetics (formerly Invitae), Labcorp); PubMed 26846950 (cited by Labcorp Genetics (formerly Invitae), Labcorp); PubMed 27106955 (cited by Labcorp Genetics (formerly Invitae), Labcorp); PubMed 34263907 (cited by Labcorp Genetics (formerly Invitae), Labcorp).